The following is an entry in ClinVar:

NM_007214.5(SEC63):c.*257A>G

Gene: SEC63 (SEC63 homolog, protein translocation regulator; minus strand). Cytogenetic location: 6q21.
Variant type: single nucleotide variant.
Coding change: c.*257A>G on transcript NM_007214.5 (MANE Select); 257 bases downstream of the stop codon, A replaced by G.
Molecular consequence: 3 prime UTR variant.
Genome position (GRCh38, 1-based): chr6:107,871,447, T>C on the plus strand (A>G on the coding strand, the complement: SEC63 is on the minus strand). VCF-style: chr6-107871447-T-C. GRCh37 (hg19) VCF-style: chr6-108192651-T-C.
Identifiers: ClinVar variation 354885 (VCV000354885.5), dbSNP rs148053936, ClinGen allele CA10621161.
Genomic context (GRCh38, chr6:107,871,447, plus strand): 5'-TTTTACTGGGACCATAGACTGATCAGATAATACATAGCCCACACTTCTGGACAGTTATAA[T>C]AACAAAGGATTTATTATCATTTGCAGATGAAATAAATGTACCATCCCCTACTTGAAAGGT-3'

ClinVar aggregate classification (germline): Likely benign (1 of 4 stars; one submission).

Conditions:
Polycystic liver disease 2 (PCLD2). Also called: Polycystic liver disease 2 with or without kidney cysts. Identifiers: Orphanet 2924, MedGen C4310769, MONDO:0014860, OMIM 617004.

Allele frequency attached by ClinVar (database versions not stated): gnomAD 0.00006 and 0.00013; 1000 Genomes Project 0.00120; TOPMed 0.00002; gnomAD exomes 0.00041; 1000 Genomes Project 30x 0.00109.
gnomAD v4.1: 153 of 482,962 alleles (0.032%); highest among the groups gnomAD compares: East Asian, 0.27%; 4 homozygotes.

Submission:

Illumina Laboratory Services, Illumina
Classification: Likely benign for Polycystic liver disease 2. Last evaluated: 2018-01-12. Review status: criteria provided, single submitter. Criteria: ICSL Variant Classification Criteria 13 December 2019. Collection method: clinical testing. Allele origin: germline.
Comment: This variant was observed in the ICSL laboratory as part of a predisposition screen in an ostensibly healthy population. It had not been previously curated by ICSL or reported in the Human Gene Mutation Database (HGMD: prior to June 1st, 2018), and was therefore a candidate for classification through an automated scoring system. Utilizing variant allele frequency, disease prevalence and penetrance estimates, and inheritance mode, an automated score was calculated to assess if this variant is too frequent to cause the disease. Based on the score and internal cut-off values, a variant classified as likely benign is not then subjected to further curation. The score for this variant resulted in a classification of likely benign for this disease.